The following is an entry in ClinVar:

NM_001127208.3(TET2):c.1061C>G (p.Ser354Ter)

Genes: TET2 (tet methylcytosine dioxygenase 2; plus strand), TET2-AS1 (TET2 antisense RNA 1; minus strand). Cytogenetic location: 4q24.
Variant type: single nucleotide variant.
Coding change: c.1061C>G on transcript NM_001127208.3 (MANE Select); coding-DNA position 1061, C replaced by G.
Protein change: p.Ser354Ter; replaces serine 354 with a stop codon.
Molecular consequence: nonsense.
Genome position (GRCh38, 1-based): chr4:105,235,003, C>G. VCF-style: chr4-105235003-C-G. GRCh37 (hg19) VCF-style: chr4-106156160-C-G.
Other names: c.1061C>G, p.Ser354Ter (NM_017628.4); short protein forms S354*.
Identifiers: ClinVar variation 2133052 (VCV002133052.4), dbSNP rs1223795843, ClinGen allele CA357793675.
Genomic context (GRCh38, chr4:105,235,003, plus strand): 5'-CTCCTGCAGAAAATAACATCCAGGGAACCACAAAGCTAGCGTCTGGTGAAGAATTCTGTT[C>G]AGGTTCCAGCAGCAATTTGCAAGCTCCTGGTGGCAGCTCTGAACGGTATTTAAAACAAAA-3'

ClinVar aggregate classification (germline): Pathogenic (1 of 4 stars; one submission).

gnomAD v4.1: 1 of 1,614,060 alleles (0.000062%); highest among the groups gnomAD compares: Non-Finnish European, 0.000085%; no homozygotes.

Submission:

Labcorp Genetics (formerly Invitae), Labcorp
Classification: Pathogenic. Last evaluated: 2024-02-23. Review status: criteria provided, single submitter. Criteria: Invitae Variant Classification Sherloc (09022015). Collection method: clinical testing. Allele origin: germline.
Comment: This sequence change creates a premature translational stop signal (p.Ser354*) in the TET2 gene. It is expected to result in an absent or disrupted protein product. Loss-of-function variants in TET2 are known to be pathogenic (PMID: 36066697). This variant is not present in population databases (gnomAD no frequency). This variant has not been reported in the literature in individuals affected with TET2-related conditions. ClinVar contains an entry for this variant (Variation ID: 2133052). For these reasons, this variant has been classified as Pathogenic.

Literature cited by the submitters: PubMed 36066697.